The following is an entry in ClinVar:

ClinVar aggregate classification (germline): Likely benign (1 of 4 stars; one submission).

gnomAD v4.1: 2 of 1,070,224 alleles (0.00019%); highest among the groups gnomAD compares: Non-Finnish European, 0.00023%; no homozygotes.

Submission:

CeGaT Center for Human Genetics Tuebingen
Classification: Likely benign. Last evaluated: 2025-04-01. Review status: criteria provided, single submitter. Criteria: CeGaT Center For Human Genetics Tuebingen Variant Classification Criteria Version 2. Collection method: clinical testing. Allele origin: germline. Affected: yes. Observed: 1 variant allele.
Comment: STK11: BP4, BP7

NM_000455.5(STK11):c.*338G>C

Gene: STK11 (serine/threonine kinase 11; plus strand). Cytogenetic location: 19p13.3.
Variant type: single nucleotide variant.
Coding change: c.*338G>C on transcript NM_000455.5 (MANE Select); 338 bases downstream of the stop codon, G replaced by C.
Molecular consequence: 3 prime UTR variant. On other transcripts: non-coding transcript variant (1).
Genome position (GRCh38, 1-based): chr19:1,227,914, G>C. VCF-style: chr19-1227914-G-C. GRCh37 (hg19) VCF-style: chr19-1227913-G-C.
Identifiers: ClinVar variation 3898436 (VCV003898436.7).
Genomic context (GRCh38, chr19:1,227,914, plus strand): 5'-GGCCTCCATGCACTTTATGTGGAGACTACTGGCCCCGCCCGTGGCCTCGTGCTCCGCAGG[G>C]CGCCCAGCGCCGTCCGGCGGCCCCGCCGCAGACCAGCTGGCGGGTGTGGAGACCAGGCTC-3'